The following is an entry in ClinVar:

NM_000141.5(FGFR2):c.-236G>C

Gene: FGFR2 (fibroblast growth factor receptor 2; minus strand). Cytogenetic location: 10q26.13.
Variant type: single nucleotide variant.
Coding change: c.-236G>C on transcript NM_000141.5 (MANE Select); 236 bases upstream of the start codon, G replaced by C.
Molecular consequence: 5 prime UTR variant. On other transcripts: non-coding transcript variant (1).
Genome position (GRCh38, 1-based): chr10:121,598,047, C>G on the plus strand (G>C on the coding strand, the complement: FGFR2 is on the minus strand). VCF-style: chr10-121598047-C-G. GRCh37 (hg19) VCF-style: chr10-123357561-C-G.
Other names: c.-236G>C (NM_001144917.2, NM_001144918.2, NM_001144919.2 and 3 more transcripts).
Identifiers: ClinVar variation 299018 (VCV000299018.6), dbSNP rs1047111, ClinGen allele CA10628119.
Genomic context (GRCh38, chr10:121,598,047, plus strand): 5'-CCTGTGTTGTCCCCGCGCCCCGCGTGGGTCGGGATGGAGAAAGCGACGAGCCCGGGGTTG[C>G]GGGGAGCAACTCCAAACGCAGAAGAGTGGTCCTTGGGTCTTCGCCGGCGCCAAGCCTCCC-3'

ClinVar aggregate classification (germline): Benign. Review status: criteria provided, multiple submitters, no conflicts (2 of 4 stars). 6 submissions from 2 submitters: Benign (6). Last evaluated 2018-01-13.

Conditions:
Beare-Stevenson cutis gyrata syndrome (BSTVS). Identifiers: Orphanet 1555, MedGen C1852406, MONDO:0007412, OMIM 123790.
Craniosynostosis syndrome. Also called: Craniosynostosis. Identifiers: Orphanet 1531, MedGen C0010278, MeSH D003398, MONDO:0015469, HP:0001363.
Isolated Coronal Synostosis. Identifiers: MedGen CN043619.
Crouzon syndrome. Also called: CRANIOFACIAL DYSOSTOSIS, TYPE I; Craniofacial dysostosis; Craniofacial dysostosis type 1; Crouzon craniofacial dysostosis; Crouzon disease. Identifiers: Orphanet 207, MedGen C0010273, MeSH D003394, MONDO:0007405, OMIM 123500, HP:0004439.
Saethre-Chotzen syndrome (SCS). Also called: ACROCEPHALY, SKULL ASYMMETRY, AND MILD SYNDACTYLY; ACS III; CHOTZEN SYNDROME. Identifiers: Orphanet 794, MedGen C0175699, MONDO:0007042, OMIM 101400.

Allele frequency attached by ClinVar (database versions not stated): 1000 Genomes Project 0.15056; 1000 Genomes Project 30x 0.15069.
gnomAD v4.1: 31,245 of 397,856 alleles (7.9%); highest among the groups gnomAD compares: East Asian, 23%; 2,322 homozygotes.

Submissions (6):

Illumina Laboratory Services, Illumina
Classification: Benign for Craniosynostosis. Last evaluated: 2018-01-13. Review status: criteria provided, single submitter. Criteria: ICSL Variant Classification Criteria 13 December 2019. Collection method: clinical testing. Allele origin: germline.
Comment: This variant was observed in the ICSL laboratory as part of a predisposition screen in an ostensibly healthy population. It had not been previously curated by ICSL or reported in the Human Gene Mutation Database (HGMD: prior to June 1st, 2018), and was therefore a candidate for classification through an automated scoring system. Utilizing variant allele frequency, disease prevalence and penetrance estimates, and inheritance mode, an automated score was calculated to assess if this variant is too frequent to cause the disease. Based on the score and internal cut-off values, a variant classified as benign is not then subjected to further curation. The score for this variant resulted in a classification of benign for this disease.

Illumina Laboratory Services, Illumina
Classification: Benign for Beare-Stevenson cutis gyrata syndrome. Last evaluated: 2018-01-13. Review status: criteria provided, single submitter. Criteria: ICSL Variant Classification Criteria 13 December 2019. Collection method: clinical testing. Allele origin: germline.
Comment: the same text as in the submission from Illumina Laboratory Services, Illumina above.

Illumina Laboratory Services, Illumina
Classification: Benign for Saethre-Chotzen syndrome. Last evaluated: 2018-01-13. Review status: criteria provided, single submitter. Criteria: ICSL Variant Classification Criteria 13 December 2019. Collection method: clinical testing. Allele origin: germline.
Comment: the same text as in the submission from Illumina Laboratory Services, Illumina above.

Illumina Laboratory Services, Illumina
Classification: Benign for Isolated coronal synostosis. Last evaluated: 2018-01-13. Review status: criteria provided, single submitter. Criteria: ICSL Variant Classification Criteria 13 December 2019. Collection method: clinical testing. Allele origin: germline.
Comment: the same text as in the submission from Illumina Laboratory Services, Illumina above.

Illumina Laboratory Services, Illumina
Classification: Benign for Crouzon syndrome. Last evaluated: 2018-01-13. Review status: criteria provided, single submitter. Criteria: ICSL Variant Classification Criteria 13 December 2019. Collection method: clinical testing. Allele origin: germline.
Comment: the same text as in the submission from Illumina Laboratory Services, Illumina above.

Breakthrough Genomics
Classification: Benign. Review status: criteria provided, single submitter. Criteria: ACMG Guidelines, 2015. Collection method: not provided. Allele origin: germline. Inheritance: Autosomal dominant inheritance. Affected: yes.